The following is an entry in ClinVar:

NM_002911.4(UPF1):c.2279C>T (p.Ser760Leu)

Gene: UPF1 (UPF1 RNA helicase and ATPase; plus strand). Cytogenetic location: 19p13.11.
Variant type: single nucleotide variant.
Coding change: c.2279C>T on transcript NM_002911.4 (MANE Select); coding-DNA position 2279, C replaced by T.
Protein change: p.Ser760Leu; replaces serine 760 with leucine.
Molecular consequence: missense variant.
Genome position (GRCh38, 1-based): chr19:18,860,417, C>T. VCF-style: chr19-18860417-C-T. GRCh37 (hg19) VCF-style: chr19-18971226-C-T.
Other names: c.2312C>T, p.Ser771Leu (NM_001297549.2); short protein forms S760L, S771L.
Identifiers: ClinVar variation 1701362 (VCV001701362.31), dbSNP rs773655050, ClinGen allele CA9317537.

ClinVar aggregate classification (germline): Uncertain significance (1 of 4 stars; one submission).

Allele frequency attached by ClinVar (database versions not stated): gnomAD exomes below 0.00001; ExAC 0.00001.
gnomAD v4.1: 1 of 1,614,064 alleles (0.000062%); highest among the groups gnomAD compares: East Asian, 0.0022%; no homozygotes.

Submission:

CeGaT Center for Human Genetics Tuebingen
Classification: Uncertain significance. Last evaluated: 2022-07-01. Review status: criteria provided, single submitter. Criteria: CeGaT Center For Human Genetics Tuebingen Variant Classification Criteria Version 2. Collection method: clinical testing. Allele origin: germline. Affected: yes. Observed: 1 variant allele.
Comment: UPF1: PM2:Supporting, PP2, PP3